The following is an entry in ClinVar:

ClinVar aggregate classification (germline): Uncertain significance (1 of 4 stars; one submission).

Submission:

Labcorp Genetics (formerly Invitae), Labcorp
Classification: Uncertain significance. Last evaluated: 2024-02-24. Review status: criteria provided, single submitter. Criteria: Invitae Variant Classification Sherloc (09022015). Collection method: clinical testing. Allele origin: germline.
Comment: This sequence change replaces tryptophan, which is neutral and slightly polar, with glycine, which is neutral and non-polar, at codon 228 of the IL12RB2 protein (p.Trp228Gly). This variant is present in population databases (rs147313559, gnomAD 0.0009%). This variant has not been reported in the literature in individuals affected with IL12RB2-related conditions. An algorithm developed to predict the effect of missense changes on protein structure and function (PolyPhen-2) suggests that this variant is likely to be disruptive. In summary, the available evidence is currently insufficient to determine the role of this variant in disease. Therefore, it has been classified as a Variant of Uncertain Significance.

NM_001374259.2(IL12RB2):c.682T>G (p.Trp228Gly)

Gene: IL12RB2 (interleukin 12 receptor subunit beta 2; plus strand). Cytogenetic location: 1p31.3.
Variant type: single nucleotide variant.
Coding change: c.682T>G on transcript NM_001374259.2 (MANE Select); coding-DNA position 682, T replaced by G.
Protein change: p.Trp228Gly; replaces tryptophan 228 with glycine.
Molecular consequence: missense variant. On other transcripts: non-coding transcript variant (2).
Genome position (GRCh38, 1-based): chr1:67,329,604, T>G. VCF-style: chr1-67329604-T-G. GRCh37 (hg19) VCF-style: chr1-67795287-T-G.
Other names: c.682T>G, p.Trp228Gly (NM_001258214.1, NM_001258215.1, NM_001258216.1 and 2 more transcripts); short protein forms W228G.
Identifiers: ClinVar variation 3673613 (VCV003673613.2).